The following is an entry in ClinVar:

NM_001349253.2(SCN11A):c.387A>G (p.Ser129=)

Gene: SCN11A (sodium voltage-gated channel alpha subunit 11; minus strand). Cytogenetic location: 3p22.2.
Variant type: single nucleotide variant.
Coding change: c.387A>G on transcript NM_001349253.2 (MANE Select); coding-DNA position 387, A replaced by G.
Protein change: p.Ser129=; no amino-acid change (serine 129 retained).
Molecular consequence: synonymous variant.
Genome position (GRCh38, 1-based): chr3:38,945,512, T>C on the plus strand (A>G on the coding strand, the complement: SCN11A is on the minus strand). VCF-style: chr3-38945512-T-C. GRCh37 (hg19) VCF-style: chr3-38987003-T-C.
Other names: c.387A>G, p.Ser129= (NM_014139.3).
Identifiers: ClinVar variation 3764033 (VCV003764033.2).

ClinVar aggregate classification (germline): Uncertain significance (1 of 4 stars; one submission).

Conditions:
Hereditary sensory and autonomic neuropathy type 7. Also called: Neuropathy, hereditary sensory and autonomic, type VII; HSAN VII. Identifiers: Orphanet 391397, MedGen C3809882, MONDO:0014244, OMIM 615548.
Familial episodic pain syndrome with predominantly lower limb involvement. Also called: Episodic pain syndrome, familial, 3. Identifiers: Orphanet 391384, Orphanet 391392, MedGen C3809899, MONDO:0014247, OMIM 615552.

Submission:

Labcorp Genetics (formerly Invitae), Labcorp
Classification: Uncertain significance for Familial episodic pain syndrome with predominantly lower limb involvement; Hereditary sensory and autonomic neuropathy type 7. Last evaluated: 2024-09-11. Review status: criteria provided, single submitter. Criteria: Invitae Variant Classification Sherloc (09022015). Collection method: clinical testing. Allele origin: germline.
Comment: This sequence change affects codon 129 of the SCN11A mRNA. It is a 'silent' change, meaning that it does not change the encoded amino acid sequence of the SCN11A protein. It affects a nucleotide within the consensus splice site. This variant is not present in population databases (gnomAD no frequency). This variant has not been reported in the literature in individuals affected with SCN11A-related conditions. Algorithms developed to predict the effect of sequence changes on RNA splicing suggest that this variant is not likely to affect RNA splicing. In summary, the available evidence is currently insufficient to determine the role of this variant in disease. Therefore, it has been classified as a Variant of Uncertain Significance.